The following is an entry in ClinVar:

ClinVar aggregate classification (germline): Likely benign (1 of 4 stars; one submission).

gnomAD v4.1: 40 of 1,600,246 alleles (0.0025%); highest among the groups gnomAD compares: Middle Eastern, 0.017%; no homozygotes.

Submission:

CeGaT Center for Human Genetics Tuebingen
Classification: Likely benign. Last evaluated: 2026-04-01. Review status: criteria provided, single submitter. Criteria: CeGaT Center For Human Genetics Tuebingen Variant Classification Criteria Version 2. Collection method: clinical testing. Allele origin: germline. Affected: yes. Observed: 1 variant allele.
Comment: HDAC4: BP4, BP7

NM_001378414.1(HDAC4):c.108G>A (p.Thr36=)

Gene: HDAC4 (histone deacetylase 4; minus strand). Cytogenetic location: 2q37.3.
Variant type: single nucleotide variant.
Coding change: c.108G>A on transcript NM_001378414.1 (MANE Select); coding-DNA position 108, G replaced by A.
Protein change: p.Thr36=; no amino-acid change (threonine 36 retained).
Molecular consequence: synonymous variant. On other transcripts: 5 prime UTR variant (1).
Genome position (GRCh38, 1-based): chr2:239,190,064, C>T on the plus strand (G>A on the coding strand, the complement: HDAC4 is on the minus strand). VCF-style: chr2-239190064-C-T. GRCh37 (hg19) VCF-style: chr2-240111760-C-T.
Other names: c.108G>A, p.Thr36= (NM_001378415.1, NM_001378416.1, NM_001378417.1 and 1 more transcripts); c.27G>A, p.Thr9= (NM_001435991.1, NM_001435992.1, NM_001435994.1 and 1 more transcripts); c.-37G>A (NM_001435993.1); c.93G>A, p.Thr31= (NM_001435996.1).
Identifiers: ClinVar variation 4871929 (VCV004871929.2).